The following is an entry in ClinVar:

NM_001114134.2(EPB42):c.737G>A (p.Arg246Gln)

Gene: EPB42 (erythrocyte membrane protein band 4.2; minus strand). Cytogenetic location: 15q15.2.
Variant type: single nucleotide variant.
Coding change: c.737G>A on transcript NM_001114134.2 (MANE Select); coding-DNA position 737, G replaced by A.
Protein change: p.Arg246Gln; replaces arginine 246 with glutamine.
Molecular consequence: missense variant.
Genome position (GRCh38, 1-based): chr15:43,209,369, C>T on the plus strand (G>A on the coding strand, the complement: EPB42 is on the minus strand). VCF-style: chr15-43209369-C-T. GRCh37 (hg19) VCF-style: chr15-43501567-C-T.
Other names: c.827G>A, p.Arg276Gln (NM_000119.3); short protein forms R246Q, R276Q.
Identifiers: ClinVar variation 4685686 (VCV004685686.1).

ClinVar aggregate classification (germline): Uncertain significance (1 of 4 stars; one submission).

Conditions:
Hereditary spherocytosis type 5. Also called: EPB42-Related Hereditary Spherocytosis; EPB42-Related Spherocytosis. Identifiers: Orphanet 822, MedGen C2675192, MONDO:0012985, OMIM 612690.

Submission:

ARUP Laboratories, Molecular Genetics and Genomics, ARUP Laboratories
Classification: Uncertain significance for Hereditary spherocytosis type 5. Last evaluated: 2025-03-13. Review status: criteria provided, single submitter. Criteria: ARUP Molecular Germline Variant Investigation Process 2024. Collection method: clinical testing. Allele origin: germline.
Comment: The EPB42 c.827G>A; p.Arg276Gln variant (rs927148032) is reported in an individual with spherocytosis who also carried damaging SPTA1 variants known to result in hemolytic anemia (HÃ¤user 2023). This variant is only observed on one allele in the Genome Aggregation Database (v2.1.1), indicating it is not a common polymorphism. Computational analyses are uncertain whether this variant is neutral or deleterious (REVEL: 0.185). Due to limited information, the clinical significance of this variant is uncertain at this time. References: HÃ¤user F et al. Hereditary Spherocytosis: Can Next-Generation Sequencing of the Five Most Frequently Affected Genes Replace Time-Consuming Functional Investigations? Int J Mol Sci. 2023 Nov 30. PMID: 38069343.